The following is an entry in ClinVar:

NM_001048174.2(MUTYH):c.1532C>A (p.Thr511Asn)

Gene: MUTYH (mutY DNA glycosylase; minus strand). Cytogenetic location: 1p34.1.
Variant type: single nucleotide variant.
Coding change: c.1532C>A on transcript NM_001048174.2 (MANE Select); coding-DNA position 1532, C replaced by A.
Protein change: p.Thr511Asn; replaces threonine 511 with asparagine.
Molecular consequence: missense variant. On other transcripts: non-coding transcript variant (7).
Genome position (GRCh38, 1-based): chr1:45,329,340, G>T on the plus strand (C>A on the coding strand, the complement: MUTYH is on the minus strand). VCF-style: chr1-45329340-G-T. GRCh37 (hg19) VCF-style: chr1-45795012-G-T.
Other names: c.1532C>A, p.Thr511Asn (NM_001048171.2, NM_001048173.2, NM_001293195.2 and 6 more transcripts); c.1535C>A, p.Thr512Asn (NM_001048172.2, NM_001407071.1, NM_001407078.1 and 1 more transcripts); c.1616C>A, p.Thr539Asn (NM_001128425.2); c.1577C>A, p.Thr526Asn (NM_001293190.2); c.1565C>A, p.Thr522Asn (NM_001293191.2, NM_001407069.1, NM_001407077.1); c.1256C>A, p.Thr419Asn (NM_001293192.2, NM_001293196.2, NM_001407091.1); c.1187C>A, p.Thr396Asn (NM_001350650.2, NM_001350651.2, NM_001407082.1); c.1448C>A, p.Thr483Asn (NM_001407075.1); and 5 more; short protein forms T497N, T518N, T536N, T512N, T522N, T539N, T511N, T526N.
Identifiers: ClinVar variation 4113445 (VCV004113445.1).

ClinVar aggregate classification (germline): Uncertain significance (1 of 4 stars; one submission).

Conditions:
Hereditary cancer-predisposing syndrome. Also called: Hereditary neoplastic syndrome; Neoplastic Syndromes, Hereditary; Tumor predisposition; Hereditary Cancer Syndrome. Identifiers: Orphanet 140162, MedGen C0027672, MeSH D009386, MONDO:0015356.

Submission:

Ambry Genetics
Classification: Uncertain significance for Hereditary cancer-predisposing syndrome. Last evaluated: 2025-08-27. Review status: criteria provided, single submitter. Criteria: Ambry Variant Classification Scheme 2023. Collection method: clinical testing. Allele origin: germline.
Comment: The p.T539N variant (also known as c.1616C>A), located in coding exon 16 of the MUTYH gene, results from a C to A substitution at nucleotide position 1616. The threonine at codon 539 is replaced by asparagine, an amino acid with similar properties. This amino acid position is conserved. In addition, this alteration is predicted to be tolerated by in silico analysis. Based on the available evidence, the clinical significance of this variant remains unclear.